The following is an entry in ClinVar:

NM_016277.5(RAB23):c.607G>T (p.Gly203Cys)

Gene: RAB23 (RAB23, member RAS oncogene family; minus strand). Cytogenetic location: 6p12.1.
Variant type: single nucleotide variant.
Coding change: c.607G>T on transcript NM_016277.5 (MANE Select); coding-DNA position 607, G replaced by T.
Protein change: p.Gly203Cys; replaces glycine 203 with cysteine.
Molecular consequence: missense variant. On other transcripts: non-coding transcript variant (1).
Genome position (GRCh38, 1-based): chr6:57,190,568, C>A on the plus strand (G>T on the coding strand, the complement: RAB23 is on the minus strand). VCF-style: chr6-57190568-C-A. GRCh37 (hg19) VCF-style: chr6-57055366-C-A.
Other names: c.607G>T, p.Gly203Cys (NM_001278666.2, NM_001278667.2, NM_001278668.2 and 1 more transcripts); short protein forms G203C.
Identifiers: ClinVar variation 4994529 (VCV004994529.1).

ClinVar aggregate classification (germline): Uncertain significance (1 of 4 stars; one submission).

Conditions:
RAB23-related disorder. Also called: RAB23-related condition.

Submission:

PreventionGenetics, part of Exact Sciences
Classification: Uncertain significance for RAB23-related condition. Last evaluated: 2025-09-23. Review status: criteria provided, single submitter. Criteria: ACMG Guidelines, 2015. Collection method: clinical testing. Allele origin: germline.
Comment: The RAB23 c.607G>T variant is predicted to result in the amino acid substitution p.Gly203Cys. To our knowledge, this variant has not been reported in the literature or in a large population database (gnomAD), indicating this variant is rare. At this time, the clinical significance of this variant is uncertain due to the absence of conclusive functional and genetic evidence.